The following is an entry in ClinVar:

NM_005744.5(ARIH1):c.20A>G (p.Tyr7Cys)

Genes: ARIH1 (ariadne RBR E3 ubiquitin protein ligase 1; plus strand), LOC130057478 (ATAC-STARR-seq lymphoblastoid silent region 6624; plus strand). Cytogenetic location: 15q24.1.
Variant type: single nucleotide variant.
Coding change: c.20A>G on transcript NM_005744.5 (MANE Select); coding-DNA position 20, A replaced by G.
Protein change: p.Tyr7Cys; replaces tyrosine 7 with cysteine.
Molecular consequence: missense variant.
Genome position (GRCh38, 1-based): chr15:72,474,659, A>G. VCF-style: chr15-72474659-A-G. GRCh37 (hg19) VCF-style: chr15-72767000-A-G.
Other names: short protein forms Y7C.
Identifiers: ClinVar variation 3616474 (VCV003616474.2).

ClinVar aggregate classification (germline): Uncertain significance (1 of 4 stars; one submission).

gnomAD v4.1: 7 of 1,550,724 alleles (0.00045%); highest among the groups gnomAD compares: East Asian, 0.0026%; no homozygotes.

Submission:

Labcorp Genetics (formerly Invitae), Labcorp
Classification: Uncertain significance. Last evaluated: 2024-12-22. Review status: criteria provided, single submitter. Criteria: Invitae Variant Classification Sherloc (09022015). Collection method: clinical testing. Allele origin: germline.
Comment: This sequence change replaces tyrosine, which is neutral and polar, with cysteine, which is neutral and slightly polar, at codon 7 of the ARIH1 protein (p.Tyr7Cys). This variant is present in population databases (rs751344394, gnomAD 0.006%). This variant has not been reported in the literature in individuals affected with ARIH1-related conditions. Experimental studies and prediction algorithms are not available or were not evaluated, and the functional significance of this variant is currently unknown. In summary, the available evidence is currently insufficient to determine the role of this variant in disease. Therefore, it has been classified as a Variant of Uncertain Significance.